The following is an entry in ClinVar:

ClinVar aggregate classification (germline): Uncertain significance (1 of 4 stars; one submission).

Submission:

GeneDx
Classification: Uncertain significance. Last evaluated: 2025-05-08. Review status: criteria provided, single submitter. Criteria: GeneDx Variant Classification Process June 2021. Collection method: clinical testing. Allele origin: germline. Affected: yes.
Comment: Not observed at significant frequency in large population cohorts (gnomAD); In silico analysis suggests that this missense variant does not alter protein structure/function; Has not been previously published as pathogenic or benign to our knowledge

NM_003718.5(CDK13):c.612C>A (p.Ser204Arg)

Genes: CDK13 (cyclin dependent kinase 13; plus strand), LOC129998293 (ATAC-STARR-seq lymphoblastoid silent region 18116; plus strand). Cytogenetic location: 7p14.1.
Variant type: single nucleotide variant.
Coding change: c.612C>A on transcript NM_003718.5 (MANE Select); coding-DNA position 612, C replaced by A.
Protein change: p.Ser204Arg; replaces serine 204 with arginine.
Molecular consequence: missense variant.
Genome position (GRCh38, 1-based): chr7:39,951,253, C>A. VCF-style: chr7-39951253-C-A. GRCh37 (hg19) VCF-style: chr7-39990852-C-A.
Other names: c.612C>A, p.Ser204Arg (NM_031267.4); short protein forms S204R.
Identifiers: ClinVar variation 4528180 (VCV004528180.1).